The following is an entry in ClinVar:

NM_000540.3(RYR1):c.4211C>T (p.Thr1404Ile)

Gene: RYR1 (ryanodine receptor 1; plus strand). Cytogenetic location: 19q13.2.
Variant type: single nucleotide variant.
Coding change: c.4211C>T on transcript NM_000540.3 (MANE Select); coding-DNA position 4211, C replaced by T.
Protein change: p.Thr1404Ile; replaces threonine 1404 with isoleucine.
Molecular consequence: missense variant.
Genome position (GRCh38, 1-based): chr19:38,475,368, C>T. VCF-style: chr19-38475368-C-T. GRCh37 (hg19) VCF-style: chr19-38966008-C-T.
Other names: c.4211C>T, p.Thr1404Ile (NM_001042723.2); short protein forms T1404I.
Identifiers: ClinVar variation 4758518 (VCV004758518.1).

ClinVar aggregate classification (germline): Uncertain significance (1 of 4 stars; one submission).

Conditions:
Malignant hyperthermia, susceptibility to, 1 (MHS1). Also called: RYR1-Related Malignant Hyperthermia Susceptibility; Malignant hyperthermia suceptibility 1; Anesthesia related hyperthermia; Malignant hyperpyrexia; Fulminating hyperpyrexia; Pharmacogenic myopathy. Identifiers: Orphanet 423, MedGen C2930980, MONDO:0007783, OMIM 145600.

gnomAD v4.1: 4 of 1,612,622 alleles (0.00025%); highest among the groups gnomAD compares: East Asian, 0.0022%; no homozygotes.

Submission:

Color Diagnostics, LLC DBA Color Health
Classification: Uncertain significance for Malignant hyperthermia, susceptibility to, 1. Last evaluated: 2024-02-14. Review status: criteria provided, single submitter. Criteria: ACMG Guidelines, 2015. Collection method: clinical testing. Allele origin: germline.
Comment: This missense variant replaces threonine with isoleucine at codon 1404 of the RYR1 protein. Computational prediction suggests that this variant may not impact protein structure and function. To our knowledge, functional studies have not been reported for this variant. This variant has not been reported in individuals affected with RYR1-related disorders in the literature. This variant has been identified in 1/31380 chromosomes in the general population by the Genome Aggregation Database (gnomAD). The available evidence is insufficient to determine the role of this variant in disease conclusively. Therefore, this variant is classified as a Variant of Uncertain Significance.